The following is an entry in ClinVar:

NM_004551.3(NDUFS3):c.347C>T (p.Ala116Val)

Gene: NDUFS3 (NADH:ubiquinone oxidoreductase core subunit S3; plus strand). Cytogenetic location: 11p11.2.
Variant type: single nucleotide variant.
Coding change: c.347C>T on transcript NM_004551.3 (MANE Select); coding-DNA position 347, C replaced by T.
Protein change: p.Ala116Val; replaces alanine 116 with valine.
Molecular consequence: missense variant.
Genome position (GRCh38, 1-based): chr11:47,580,950, C>T. VCF-style: chr11-47580950-C-T. GRCh37 (hg19) VCF-style: chr11-47602502-C-T.
Other names: short protein forms A116V.
Identifiers: ClinVar variation 1712102 (VCV001712102.2), dbSNP rs2509731289, ClinGen allele CA380359142.

ClinVar aggregate classification (germline): Uncertain significance (1 of 4 stars; one submission).

Allele frequency attached by ClinVar (database versions not stated): gnomAD exomes below 0.00001.
gnomAD v4.1: 2 of 1,614,214 alleles (0.00012%); highest among the groups gnomAD compares: Non-Finnish European, 0.00017%; no homozygotes.

Submission:

GeneDx
Classification: Uncertain significance. Last evaluated: 2022-04-20. Review status: criteria provided, single submitter. Criteria: GeneDx Variant Classification Process June 2021. Collection method: clinical testing. Allele origin: germline. Affected: yes.
Comment: Not observed at significant frequency in large population cohorts (gnomAD); In silico analysis supports that this missense variant has a deleterious effect on protein structure/function; Has not been previously published as pathogenic or benign to our knowledge